The following is an entry in ClinVar:

ClinVar aggregate classification (germline): Uncertain significance (1 of 4 stars; one submission).

Conditions:
Immunodeficiency. Identifiers: MedGen C0021051, MONDO:0021094, HP:0002721.

Submission:

Labcorp Genetics (formerly Invitae), Labcorp
Classification: Uncertain significance for Immunodeficiency. Last evaluated: 2022-11-22. Review status: criteria provided, single submitter. Criteria: Invitae Variant Classification Sherloc (09022015). Collection method: clinical testing. Allele origin: germline.
Comment: In summary, the available evidence is currently insufficient to determine the role of this variant in disease. Therefore, it has been classified as a Variant of Uncertain Significance. Algorithms developed to predict the effect of missense changes on protein structure and function are either unavailable or do not agree on the potential impact of this missense change (SIFT: "Deleterious"; PolyPhen-2: "Benign"; Align-GVGD: "Class C0"). ClinVar contains an entry for this variant (Variation ID: 1493380). This variant has not been reported in the literature in individuals affected with NFAT5-related conditions. This variant is not present in population databases (gnomAD no frequency). This sequence change replaces serine, which is neutral and polar, with arginine, which is basic and polar, at codon 751 of the NFAT5 protein (p.Ser751Arg).

NM_138713.4(NFAT5):c.2533A>C (p.Ser845Arg)

Gene: NFAT5 (nuclear factor of activated T cells 5; plus strand). Cytogenetic location: 16q22.1.
Variant type: single nucleotide variant.
Coding change: c.2533A>C on transcript NM_138713.4 (MANE Select); coding-DNA position 2533, A replaced by C.
Protein change: p.Ser845Arg; replaces serine 845 with arginine.
Molecular consequence: missense variant.
Genome position (GRCh38, 1-based): chr16:69,692,358, A>C. VCF-style: chr16-69692358-A-C. GRCh37 (hg19) VCF-style: chr16-69726261-A-C.
Other names: c.2530A>C, p.Ser844Arg (NM_001113178.3); c.1858A>C, p.Ser620Arg (NM_001367709.1); c.2479A>C, p.Ser827Arg (NM_006599.4); c.2251A>C, p.Ser751Arg (NM_138714.4, NM_173214.3, NM_173215.3); short protein forms S844R, S845R, S620R, S751R, S827R.
Identifiers: ClinVar variation 1493380 (VCV001493380.8), dbSNP rs2151719456, ClinGen allele CA396509973.